The following is an entry in ClinVar:

ClinVar aggregate classification (germline): Uncertain significance (1 of 4 stars; one submission).

Conditions:
POF1B-related disorder. Also called: POF1B-related condition.

Allele frequency attached by ClinVar (database versions not stated): gnomAD 0.00002; gnomAD exomes 0.00002; TOPMed 0.00002; ExAC 0.00004.
gnomAD v4.1: 25 of 1,207,469 alleles (0.0021%); highest among the groups gnomAD compares: Non-Finnish European, 0.0028%; no homozygotes.

Submission:

PreventionGenetics, part of Exact Sciences
Classification: Uncertain significance for POF1B-related condition. Last evaluated: 2023-08-22. Review status: criteria provided, single submitter. Criteria: ACMG Guidelines, 2015. Collection method: clinical testing. Allele origin: germline.
Comment: The POF1B c.76C>T variant is predicted to result in premature protein termination (p.Gln26*). To our knowledge, this variant has not been reported in the literature. This variant is reported in 0.0055% of alleles in individuals of European (Non-Finnish) descent in gnomAD. At this time, the clinical significance of this variant is uncertain due to the absence of conclusive functional and genetic evidence.

NM_024921.4(POF1B):c.76C>T (p.Gln26Ter)

Gene: POF1B (POF1B actin binding protein; minus strand). Cytogenetic location: Xq21.1.
Variant type: single nucleotide variant.
Coding change: c.76C>T on transcript NM_024921.4 (MANE Select); coding-DNA position 76, C replaced by T.
Protein change: p.Gln26Ter; replaces glutamine 26 with a stop codon.
Molecular consequence: nonsense.
Genome position (GRCh38, 1-based): chrX:85,379,379, G>A on the plus strand (C>T on the coding strand, the complement: POF1B is on the minus strand). VCF-style: chrX-85379379-G-A. GRCh37 (hg19) VCF-style: chrX-84634384-G-A.
Other names: c.76C>T, p.Gln26Ter (NM_001307940.2); short protein forms Q26*.
Identifiers: ClinVar variation 632054 (VCV000632054.5), dbSNP rs780628376, ClinGen allele CA10465254.
Genomic context (GRCh38, chrX:85,379,379, plus strand): 5'-TTTTTTCTGGAGGCTGCTGGGCTTGGCTTGACTGATGGTAGCAGTGGTAATGCTGGGGCT[G>A]GCACTGCAGCACCTCTGGGAGCTGCTGGGTTCCACAGCTGCTGCTGCTCGTCTCACTCCA-3'